The following is an entry in ClinVar:

ClinVar aggregate classification (germline): Uncertain significance (1 of 4 stars; one submission).

gnomAD v4.1: 1 of 1,607,556 alleles (0.000062%); highest among the groups gnomAD compares: Admixed American, 0.0017%; no homozygotes.

Submission:

Labcorp Genetics (formerly Invitae), Labcorp
Classification: Uncertain significance. Last evaluated: 2022-08-01. Review status: criteria provided, single submitter. Criteria: Invitae Variant Classification Sherloc (09022015). Collection method: clinical testing. Allele origin: germline.
Comment: This sequence change replaces proline, which is neutral and non-polar, with serine, which is neutral and polar, at codon 210 of the AHDC1 protein (p.Pro210Ser). This variant is not present in population databases (gnomAD no frequency). This variant has not been reported in the literature in individuals affected with AHDC1-related conditions. Algorithms developed to predict the effect of missense changes on protein structure and function are either unavailable or do not agree on the potential impact of this missense change (SIFT: "Deleterious"; PolyPhen-2: "Benign"; Align-GVGD: "Class C0"). In summary, the available evidence is currently insufficient to determine the role of this variant in disease. Therefore, it has been classified as a Variant of Uncertain Significance.

NM_001371928.1(AHDC1):c.628C>T (p.Pro210Ser)

Gene: AHDC1 (AT-hook DNA binding motif containing 1; minus strand). Cytogenetic location: 1p36.11.
Variant type: single nucleotide variant.
Coding change: c.628C>T on transcript NM_001371928.1 (MANE Select); coding-DNA position 628, C replaced by T.
Protein change: p.Pro210Ser; replaces proline 210 with serine.
Molecular consequence: missense variant.
Genome position (GRCh38, 1-based): chr1:27,551,488, G>A on the plus strand (C>T on the coding strand, the complement: AHDC1 is on the minus strand). VCF-style: chr1-27551488-G-A. GRCh37 (hg19) VCF-style: chr1-27877999-G-A.
Other names: c.628C>T, p.Pro210Ser (NM_001029882.3); short protein forms P210S.
Identifiers: ClinVar variation 1964566 (VCV001964566.5), dbSNP rs1294313698, ClinGen allele CA339236663.